The following is an entry in ClinVar:

NM_014918.5(CHSY1):c.2119G>A (p.Gly707Ser)

Gene: CHSY1 (chondroitin sulfate synthase 1; minus strand). Cytogenetic location: 15q26.3.
Variant type: single nucleotide variant.
Coding change: c.2119G>A on transcript NM_014918.5 (MANE Select); coding-DNA position 2119, G replaced by A.
Protein change: p.Gly707Ser; replaces glycine 707 with serine.
Molecular consequence: missense variant.
Genome position (GRCh38, 1-based): chr15:101,177,678, C>T on the plus strand (G>A on the coding strand, the complement: CHSY1 is on the minus strand). VCF-style: chr15-101177678-C-T. GRCh37 (hg19) VCF-style: chr15-101717883-C-T.
Other names: short protein forms G707S.
Identifiers: ClinVar variation 1493155 (VCV001493155.8), dbSNP rs773030000, ClinGen allele CA7762408.
Genomic context (GRCh38, chr15:101,177,678, plus strand): 5'-CCTTGTTGAAAAGGTCCACATCCTCCAGCCCCCAGCCTTGGATGGAAACATCAAAGCCAC[C>T]CACTCGGACAAGATCTCCCTTATAAATACACGTGATGCCAAACCCATAGTTTCTCCAGAA-3'
Protein context (NP_055733.2, residues 697-717): CIYKGDLVRV[Gly707Ser]GFDVSIQGWG

ClinVar aggregate classification (germline): Uncertain significance (1 of 4 stars; one submission).

Conditions:
Temtamy preaxial brachydactyly syndrome (TPBS). Identifiers: Orphanet 363417, MedGen C1854466, MONDO:0011533, OMIM 605282.

Allele frequency attached by ClinVar (database versions not stated): gnomAD exomes below 0.00001; ExAC 0.00001.
gnomAD v4.1: 1 of 1,614,172 alleles (0.000062%); highest among the groups gnomAD compares: Non-Finnish European, 0.000085%; no homozygotes.

Submission:

Labcorp Genetics (formerly Invitae), Labcorp
Classification: Uncertain significance for Temtamy preaxial brachydactyly syndrome. Last evaluated: 2021-06-18. Review status: criteria provided, single submitter. Criteria: Invitae Variant Classification Sherloc (09022015). Collection method: clinical testing. Allele origin: germline.
Comment: Algorithms developed to predict the effect of missense changes on protein structure and function are either unavailable or do not agree on the potential impact of this missense change (SIFT: "Tolerated"; PolyPhen-2: "Probably Damaging"; Align-GVGD: "Class C0"). This variant has not been reported in the literature in individuals with CHSY1-related conditions. This variant is present in population databases (rs773030000, ExAC 0.001%). This sequence change replaces glycine with serine at codon 707 of the CHSY1 protein (p.Gly707Ser). The glycine residue is highly conserved and there is a small physicochemical difference between glycine and serine. Algorithms developed to predict the effect of sequence changes on RNA splicing suggest that this variant may create or strengthen a splice site, but this prediction has not been confirmed by published transcriptional studies. In summary, the available evidence is currently insufficient to determine the role of this variant in disease. Therefore, it has been classified as a Variant of Uncertain Significance.